The following is an entry in ClinVar:

NM_198253.3(TERT):c.568G>T (p.Ala190Ser)

Gene: TERT (telomerase reverse transcriptase; minus strand). Cytogenetic location: 5p15.33.
Variant type: single nucleotide variant.
Coding change: c.568G>T on transcript NM_198253.3 (MANE Select); coding-DNA position 568, G replaced by T.
Protein change: p.Ala190Ser; replaces alanine 190 with serine.
Molecular consequence: missense variant. On other transcripts: non-coding transcript variant (2).
Genome position (GRCh38, 1-based): chr5:1,294,318, C>A on the plus strand (G>T on the coding strand, the complement: TERT is on the minus strand). VCF-style: chr5-1294318-C-A. GRCh37 (hg19) VCF-style: chr5-1294433-C-A.
Other names: c.568G>T, p.Ala190Ser (NM_001193376.3, NM_003219.1); short protein forms A190S.
Identifiers: ClinVar variation 2941525 (VCV002941525.3), dbSNP rs377016753, ClinGen allele CA359057438.

ClinVar aggregate classification (germline): Uncertain significance (1 of 4 stars; one submission).

Conditions:
Dyskeratosis congenita, autosomal dominant 2. Identifiers: MedGen C3151443, MONDO:0013521, OMIM 613989.
Idiopathic Pulmonary Fibrosis. Also called: Idiopathic fibrosing alveolitis, chronic form; idiopathic fibrosing alveolitis. Identifiers: Orphanet 2032, MedGen C1800706, MeSH D054990, MONDO:0800504.

Allele frequency attached by ClinVar (database versions not stated): gnomAD exomes below 0.00001.
gnomAD v4.1: 2 of 1,590,150 alleles (0.00013%); highest among the groups gnomAD compares: South Asian, 0.0022%; no homozygotes.

Submission:

Labcorp Genetics (formerly Invitae), Labcorp
Classification: Uncertain significance for Dyskeratosis congenita, autosomal dominant 2; Idiopathic Pulmonary Fibrosis. Last evaluated: 2022-11-12. Review status: criteria provided, single submitter. Criteria: Invitae Variant Classification Sherloc (09022015). Collection method: clinical testing. Allele origin: germline.
Comment: This sequence change replaces alanine, which is neutral and non-polar, with serine, which is neutral and polar, at codon 190 of the TERT protein (p.Ala190Ser). This variant is not present in population databases (gnomAD no frequency). This variant has not been reported in the literature in individuals affected with TERT-related conditions. Advanced modeling of protein sequence and biophysical properties (such as structural, functional, and spatial information, amino acid conservation, physicochemical variation, residue mobility, and thermodynamic stability) performed at Invitae indicates that this missense variant is not expected to disrupt TERT protein function. In summary, the available evidence is currently insufficient to determine the role of this variant in disease. Therefore, it has been classified as a Variant of Uncertain Significance.